The following is an entry in ClinVar:

ClinVar aggregate classification (germline): Uncertain significance (1 of 4 stars; one submission).

Conditions:
Marfan syndrome (MFS). Also called: FBN1-Related Marfan Syndrome; Marfan syndrome type 1; Marfan's syndrome; Marfan syndrome, classic; MARFAN SYNDROME, TYPE I. Identifiers: Orphanet 284963, Orphanet 558, MedGen C0024796, MONDO:0007947, OMIM 154700.

Submission:

Women's Health and Genetics/Laboratory Corporation of America, LabCorp
Classification: Uncertain significance for Marfan Syndrome. Last evaluated: 2011-08-18. Review status: criteria provided, single submitter. Criteria: LabCorp Variant Classification Summary - May 2015. Collection method: curation, clinical testing. Allele origin: germline. Inheritance: autosomal unknown. Affected: yes.
ClinVar note: Converted during submission from uncertain to Uncertain significance.

NM_000138.5(FBN1):c.7820-3C>G

Gene: FBN1 (fibrillin 1; minus strand). Cytogenetic location: 15q21.1.
Variant type: single nucleotide variant.
Coding change: c.7820-3C>G on transcript NM_000138.5 (MANE Select); 3 bases into the intron before coding-DNA position 7820, C replaced by G.
Molecular consequence: intron variant.
Genome position (GRCh38, 1-based): chr15:48,415,770, G>C on the plus strand (C>G on the coding strand, the complement: FBN1 is on the minus strand). VCF-style: chr15-48415770-G-C. GRCh37 (hg19) VCF-style: chr15-48707967-G-C.
Identifiers: ClinVar variation 36120 (VCV000036120.3), dbSNP rs193922237, ClinGen allele CA017392.